The following is an entry in ClinVar:

ClinVar aggregate classification (germline): Pathogenic (1 of 4 stars; one submission).

Conditions:
Hereditary von Willebrand disease. Identifiers: Orphanet 903, MedGen C5703318, MONDO:0019565. Inheritance: Autosomal recessive or Autosomal dominant.

gnomAD v4.1: 1 of 1,614,188 alleles (0.000062%); highest among the groups gnomAD compares: Non-Finnish European, 0.000085%; no homozygotes.

Submission:

North West Genomic Laboratory Hub, Manchester University NHS Foundation Trust
Classification: Pathogenic for von Willebrand disease. Last evaluated: 2026-09-08. Review status: criteria provided, single submitter. Criteria: ACGS Best Practice Guidelines for Variant Classification in Rare Disease 2024. Collection method: clinical testing. Allele origin: germline. Affected: yes.
Comment: PVS1_VStr PM2_Mod

NM_000552.5(VWF):c.378C>G (p.Tyr126Ter)

Gene: VWF (von Willebrand factor; minus strand). Cytogenetic location: 12p13.31.
Variant type: single nucleotide variant.
Coding change: c.378C>G on transcript NM_000552.5 (MANE Select); coding-DNA position 378, C replaced by G.
Protein change: p.Tyr126Ter; replaces tyrosine 126 with a stop codon.
Molecular consequence: nonsense.
Genome position (GRCh38, 1-based): chr12:6,110,528, G>C on the plus strand (C>G on the coding strand, the complement: VWF is on the minus strand). VCF-style: chr12-6110528-G-C. GRCh37 (hg19) VCF-style: chr12-6219694-G-C.
Other names: short protein forms Y126*.
Identifiers: ClinVar variation 4891529 (VCV004891529.1).
Genomic context (GRCh38, chr12:6,110,528, plus strand): 5'-AAAGTTGCCGCTGCCATCGATCCTGGCCACAAAGCCATAGGCCTCACCGGACAGCTTGTA[G>C]TACCCAGCCTCAGTTTCTAGATACAGCCCTTTGGAGGCATAGGGCATGGAGACTCTGGAG-3'